The following is an entry in ClinVar:

NM_001242896.3(DEPDC5):c.1736_1743del (p.Ser579fs)

Gene: DEPDC5 (DEP domain containing 5, GATOR1 subcomplex subunit; plus strand). Cytogenetic location: 22q12.3.
Variant type: Deletion.
Coding change: c.1736_1743del on transcript NM_001242896.3 (MANE Select); coding-DNA positions 1736 to 1743, 8 bases deleted (GTGCAGAA; older notation c.1736_1743delGTGCAGAA).
Protein change: p.Ser579fs; shifts the reading frame from serine 579.
Molecular consequence: frameshift variant. On other transcripts: non-coding transcript variant (5).
Genome position (GRCh38, 1-based): chr22:31,819,091-31,819,098, GTGCAGAA deleted; deleting any 8 consecutive bases within chr22:31,819,090-31,819,098 gives the same sequence; the c. name uses the placement nearest the transcript's 3' end. VCF-style (leftmost placement, unchanged base first): chr22-31819089-CAGTGCAGA-C. GRCh37 (hg19) VCF-style: chr22-32215075-CAGTGCAGA-C.
Other names: c.1736_1743del, p.Ser579fs (NM_001136029.4, NM_001242897.2, NM_001363852.2 and 6 more transcripts); c.1652_1659del, p.Ser551fs (NM_001369901.1, NM_001369902.1); short protein forms S551fs, S579fs.
Identifiers: ClinVar variation 1445367 (VCV001445367.6), dbSNP rs2148801562, ClinGen allele CA2573158152.
Genomic context (GRCh38, chr22:31,819,089, plus strand): 5'-GGAGAACATGATGGAGCCACCACAGCGAGACTCCAGTGCACCAGGGAGGTTTCACGTTGG[CAGTGCAGA>C]ATCCATGCTGCATGTTCGACCTGGTGGATACACGCCCCAGAGAGCACTGATTAACCCCTT-3'

ClinVar aggregate classification (germline): Pathogenic (1 of 4 stars; one submission).

Conditions:
Familial focal epilepsy with variable foci (FPEVF). Identifiers: Orphanet 98820, MedGen C1858477, MONDO:0020310.

Submission:

Labcorp Genetics (formerly Invitae), Labcorp
Classification: Pathogenic for Familial focal epilepsy with variable foci. Last evaluated: 2021-02-13. Review status: criteria provided, single submitter. Criteria: Invitae Variant Classification Sherloc (09022015). Collection method: clinical testing. Allele origin: germline.
Comment: For these reasons, this variant has been classified as Pathogenic. This variant has not been reported in the literature in individuals with DEPDC5-related conditions. This variant is not present in population databases (ExAC no frequency). This sequence change creates a premature translational stop signal (p.Ser579Ilefs*18) in the DEPDC5 gene. It is expected to result in an absent or disrupted protein product. Loss-of-function variants in DEPDC5 are known to be pathogenic (PMID: 23542697, 23542701).

Literature cited by the submitters: PubMed 23542697; PubMed 23542701.